The following is an entry in ClinVar:

NM_031935.3(HMCN1):c.5480C>A (p.Thr1827Lys)

Gene: HMCN1 (hemicentin 1; plus strand). Cytogenetic location: 1q31.1.
Variant type: single nucleotide variant.
Coding change: c.5480C>A on transcript NM_031935.3 (MANE Select); coding-DNA position 5480, C replaced by A.
Protein change: p.Thr1827Lys; replaces threonine 1827 with lysine.
Molecular consequence: missense variant.
Genome position (GRCh38, 1-based): chr1:186,019,550, C>A. VCF-style: chr1-186019550-C-A. GRCh37 (hg19) VCF-style: chr1-185988682-C-A.
Other names: short protein forms T1827K.
Identifiers: ClinVar variation 2830199 (VCV002830199.3), dbSNP rs2527545957, ClinGen allele CA343892029.

ClinVar aggregate classification (germline): Uncertain significance (1 of 4 stars; one submission).

Submission:

Labcorp Genetics (formerly Invitae), Labcorp
Classification: Uncertain significance. Last evaluated: 2023-01-19. Review status: criteria provided, single submitter. Criteria: Invitae Variant Classification Sherloc (09022015). Collection method: clinical testing. Allele origin: germline.
Comment: Algorithms developed to predict the effect of missense changes on protein structure and function are either unavailable or do not agree on the potential impact of this missense change (SIFT: "Deleterious"; PolyPhen-2: "Possibly Damaging"; Align-GVGD: "Class C0"). This variant has not been reported in the literature in individuals affected with HMCN1-related conditions. This variant is not present in population databases (gnomAD no frequency). This sequence change replaces threonine, which is neutral and polar, with lysine, which is basic and polar, at codon 1827 of the HMCN1 protein (p.Thr1827Lys). In summary, the available evidence is currently insufficient to determine the role of this variant in disease. Therefore, it has been classified as a Variant of Uncertain Significance.